The following is an entry in ClinVar:

NM_002185.5(IL7R):c.490A>T (p.Met164Leu)

Gene: IL7R (interleukin 7 receptor; plus strand). Cytogenetic location: 5p13.2.
Variant type: single nucleotide variant.
Coding change: c.490A>T on transcript NM_002185.5 (MANE Select); coding-DNA position 490, A replaced by T.
Protein change: p.Met164Leu; replaces methionine 164 with leucine.
Molecular consequence: missense variant. On other transcripts: non-coding transcript variant (1).
Genome position (GRCh38, 1-based): chr5:35,871,166, A>T. VCF-style: chr5-35871166-A-T. GRCh37 (hg19) VCF-style: chr5-35871268-A-T.
Other names: c.490A>T, p.Met164Leu (NM_001410734.1); short protein forms M164L.
Identifiers: ClinVar variation 2175772 (VCV002175772.4), dbSNP rs772191954, ClinGen allele CA3231983.

ClinVar aggregate classification (germline): Uncertain significance (1 of 4 stars; one submission).

Conditions:
Immunodeficiency 104. Also called: Severe combined immunodeficiency, autosomal recessive, T cell-negative, B cell-positive, NK cell-positive; IMMUNODEFICIENCY 104, SEVERE COMBINED; SCID, AUTOSOMAL RECESSIVE, T CELL-NEGATIVE, B CELL-POSITIVE, NK CELL-POSITIVE; Severe Combined Immune Deficiency, Autosomal Recessive, TCell -Negative, B Cell-Positive, NK Cell-Positive, IL7R-Related. Identifiers: MedGen C5676890, MONDO:0012163, OMIM 608971.

Allele frequency attached by ClinVar (database versions not stated): TOPMed below 0.00001; ExAC 0.00001.

Submission:

Labcorp Genetics (formerly Invitae), Labcorp
Classification: Uncertain significance for Immunodeficiency 104. Last evaluated: 2022-08-09. Review status: criteria provided, single submitter. Criteria: Invitae Variant Classification Sherloc (09022015). Collection method: clinical testing. Allele origin: germline.
Comment: Advanced modeling of protein sequence and biophysical properties (such as structural, functional, and spatial information, amino acid conservation, physicochemical variation, residue mobility, and thermodynamic stability) performed at Invitae indicates that this missense variant is not expected to disrupt IL7R protein function. This variant has not been reported in the literature in individuals affected with IL7R-related conditions. This variant is present in population databases (rs772191954, gnomAD 0.003%). This sequence change replaces methionine, which is neutral and non-polar, with leucine, which is neutral and non-polar, at codon 164 of the IL7R protein (p.Met164Leu). In summary, the available evidence is currently insufficient to determine the role of this variant in disease. Therefore, it has been classified as a Variant of Uncertain Significance.